The following is an entry in ClinVar:

ClinVar aggregate classification (germline): Uncertain significance (1 of 4 stars; one submission).

Conditions:
Gastrointestinal stromal tumor. Also called: Gastrointestinal stromal tumor, somatic; Gastrointestinal stroma tumor. Identifiers: Orphanet 44890, MedGen C0238198, MeSH D046152, MONDO:0011719, OMIM 606764, HP:0100723.

Submission:

Labcorp Genetics (formerly Invitae), Labcorp
Classification: Uncertain significance for Gastrointestinal stromal tumor. Last evaluated: 2024-03-17. Review status: criteria provided, single submitter. Criteria: Invitae Variant Classification Sherloc (09022015). Collection method: clinical testing. Allele origin: germline.
Comment: This sequence change replaces glycine, which is neutral and non-polar, with valine, which is neutral and non-polar, at codon 3 of the KIT protein (p.Gly3Val). This variant is not present in population databases (gnomAD no frequency). This variant has not been reported in the literature in individuals affected with KIT-related conditions. An algorithm developed to predict the effect of missense changes on protein structure and function (PolyPhen-2) suggests that this variant is likely to be disruptive. In summary, the available evidence is currently insufficient to determine the role of this variant in disease. Therefore, it has been classified as a Variant of Uncertain Significance.

NM_000222.3(KIT):c.8G>T (p.Gly3Val)

Gene: KIT (KIT proto-oncogene, receptor tyrosine kinase; plus strand). Cytogenetic location: 4q12.
Variant type: single nucleotide variant.
Coding change: c.8G>T on transcript NM_000222.3 (MANE Select); coding-DNA position 8, G replaced by T.
Protein change: p.Gly3Val; replaces glycine 3 with valine.
Molecular consequence: missense variant.
Genome position (GRCh38, 1-based): chr4:54,658,022, G>T. VCF-style: chr4-54658022-G-T. GRCh37 (hg19) VCF-style: chr4-55524189-G-T.
Other names: c.8G>T, p.Gly3Val (NM_001093772.2, NM_001385284.1, NM_001385285.1 and 4 more transcripts); short protein forms G3V.
Identifiers: ClinVar variation 3632342 (VCV003632342.2).